The following is an entry in ClinVar:

ClinVar aggregate classification (germline): Uncertain significance. Review status: criteria provided, multiple submitters, no conflicts (2 of 4 stars). 2 submissions from 2 submitters: Uncertain significance (2). Last evaluated 2026-02-13.

Conditions:
Marfan syndrome (MFS). Also called: MARFAN SYNDROME, TYPE I; Marfan syndrome type 1; Marfan's syndrome; Marfan syndrome, classic; FBN1-Related Marfan Syndrome. Identifiers: Orphanet 284963, Orphanet 558, MedGen C0024796, MONDO:0007947, OMIM 154700.
Familial thoracic aortic aneurysm and aortic dissection (TAAD). Also called: Thoracic aortic aneurysms and dissections. Identifiers: Orphanet 91387, MedGen C4707243, MONDO:0019625.

Submissions (2):

Ambry Genetics
Classification: Uncertain significance for Familial thoracic aortic aneurysm and aortic dissection. Last evaluated: 2026-02-13. Review status: criteria provided, single submitter. Criteria: Ambry Variant Classification Scheme 2023. Collection method: clinical testing. Allele origin: germline.
Comment: The p.N2327S variant (also known as c.6980A>G), located in coding exon 56 of the FBN1 gene, results from an A to G substitution at nucleotide position 6980. The asparagine at codon 2327 is replaced by serine, an amino acid with highly similar properties. This amino acid position is conserved. In addition, this alteration is predicted to be tolerated by in silico analysis. Based on the available evidence, the clinical significance of this variant remains unclear.

All of Us Research Program, National Institutes of Health
Classification: Uncertain significance for Marfan syndrome. Last evaluated: 2023-08-15. Review status: criteria provided, single submitter. Criteria: ACMG Guidelines, 2015. Collection method: clinical testing. Allele origin: germline. Inheritance: Autosomal dominant inheritance. Observed: 1 variant allele, 1 heterozygote.
Comment: This study involves interpretation of variants in research participants for the purpose of population health screening. Participant phenotype was not available at the time of variant classification. Additional details can be found in publication PMID: 35346344, PMCID: PMC8962531

NM_000138.5(FBN1):c.6980A>G (p.Asn2327Ser)

Gene: FBN1 (fibrillin 1; minus strand). Cytogenetic location: 15q21.1.
Variant type: single nucleotide variant.
Coding change: c.6980A>G on transcript NM_000138.5 (MANE Select); coding-DNA position 6980, A replaced by G.
Protein change: p.Asn2327Ser; replaces asparagine 2327 with serine.
Molecular consequence: missense variant.
Genome position (GRCh38, 1-based): chr15:48,428,363, T>C on the plus strand (A>G on the coding strand, the complement: FBN1 is on the minus strand). VCF-style: chr15-48428363-T-C. GRCh37 (hg19) VCF-style: chr15-48720560-T-C.
Other names: c.6980A>G, p.Asn2327Ser (NM_001406716.1); short protein forms N2327S.
Identifiers: ClinVar variation 3072679 (VCV003072679.2), dbSNP rs2505414991, ClinGen allele CA392330480.